The following is an entry in ClinVar:

NM_000260.4(MYO7A):c.4268C>T (p.Thr1423Met)

Gene: MYO7A (myosin VIIA; plus strand). Cytogenetic location: 11q13.5.
Variant type: single nucleotide variant.
Coding change: c.4268C>T on transcript NM_000260.4 (MANE Select); coding-DNA position 4268, C replaced by T.
Protein change: p.Thr1423Met; replaces threonine 1423 with methionine.
Molecular consequence: missense variant.
Genome position (GRCh38, 1-based): chr11:77,194,469, C>T. VCF-style: chr11-77194469-C-T. GRCh37 (hg19) VCF-style: chr11-76905514-C-T.
Other names: c.4268C>T (NM_000260.3); c.4268C>T, p.Thr1423Met (NM_001127180.2); c.4235C>T, p.Thr1412Met (NM_001369365.1); short protein forms T1412M, T1423M.
Identifiers: ClinVar variation 3063873 (VCV003063873.4), dbSNP rs779964645, ClinGen allele CA6198392.
Genomic context (GRCh38, chr11:77,194,469, plus strand): 5'-AGATGATCCTGGAGCGCCTCCTGAACCTCGTGCCCACCTACATCCCCGACCGCGAGATCA[C>T]GCCCCTGAAGACGCTGGAGAAGTGGGCCCAGCTGGCCATCGCCGCCCACAAGAAGGTAGA-3'
Protein context (NP_000251.3, residues 1413-1433): VPTYIPDREI[Thr1423Met]PLKTLEKWAQ

ClinVar aggregate classification (germline): Uncertain significance. Review status: criteria provided, multiple submitters, no conflicts (2 of 4 stars). 4 submissions from 4 submitters: Uncertain significance (4). Last evaluated 2024-12-06.

Conditions:
MYO7A-related disorder. Also called: MYO7A-related disorders.

Allele frequency attached by ClinVar (database versions not stated): gnomAD exomes 0.00003; ExAC 0.00004; gnomAD 0.00004; 1000 Genomes Project 30x 0.00016.
gnomAD v4.1: 45 of 1,609,426 alleles (0.0028%); highest among the groups gnomAD compares: Non-Finnish European, 0.0033%; no homozygotes.

Submissions (4):

PreventionGenetics, part of Exact Sciences
Classification: Uncertain significance for MYO7A-related condition. Last evaluated: 2024-12-06. Review status: criteria provided, single submitter. Criteria: ACMG Guidelines, 2015. Collection method: clinical testing. Allele origin: germline.
Comment: The MYO7A c.4268C>T variant is predicted to result in the amino acid substitution p.Thr1423Met. This variant was reported in an individual with hearing loss (Morgan et al. 2018. PubMed ID: 30622556). This variant is reported in 0.0099% of alleles in individuals of Ashkenazi Jewish descent in gnomAD. Although we suspect that this variant may be pathogenic, at this time, the clinical significance of this variant is uncertain due to the absence of conclusive functional and genetic evidence.

Labcorp Genetics (formerly Invitae), Labcorp
Classification: Uncertain significance. Last evaluated: 2024-08-11. Review status: criteria provided, single submitter. Criteria: Invitae Variant Classification Sherloc (09022015). Collection method: clinical testing. Allele origin: germline.
Comment: This sequence change replaces threonine, which is neutral and polar, with methionine, which is neutral and non-polar, at codon 1423 of the MYO7A protein (p.Thr1423Met). The frequency data for this variant in the population databases is considered unreliable, as metrics indicate poor data quality at this position in the gnomAD database. This missense change has been observed in individual(s) with deafness (PMID: 30622556). Advanced modeling of protein sequence and biophysical properties (such as structural, functional, and spatial information, amino acid conservation, physicochemical variation, residue mobility, and thermodynamic stability) performed at Invitae indicates that this missense variant is not expected to disrupt MYO7A protein function with a negative predictive value of 95%. In summary, the available evidence is currently insufficient to determine the role of this variant in disease. Therefore, it has been classified as a Variant of Uncertain Significance.

Women's Health and Genetics/Laboratory Corporation of America, LabCorp
Classification: Uncertain significance. Last evaluated: 2024-01-12. Review status: criteria provided, single submitter. Criteria: LabCorp Variant Classification Summary - May 2015. Collection method: clinical testing. Allele origin: germline.
Comment: Variant summary: MYO7A c.4268C>T (p.Thr1423Met) results in a non-conservative amino acid change located in the first FERM domain (IPR000299) of the encoded protein sequence. Four of five in-silico tools predict a damaging effect of the variant on protein function. The variant allele was found at a frequency of 4.2e-05 in 240018 control chromosomes in the gnomAD database (v2.1 dataset). This frequency is not higher than the estimated maximum expected for a pathogenic variant in MYO7A causing Usher Syndrome (0.0061), allowing no conclusion about variant significance. c.4268C>T has been reported in the literature in a family, in which two heterozygous individuals were affected with non-syndromic hearing loss (which belongs to the Usher syndrome phenotype spectrum), suggesting an autosomal dominant inheritance for this variant (Morgan_2018). However, as the variant is also present in several heterozygous controls (gnomAD), this report does not provide unequivocal conclusions about association of the variant with Usher Syndrome. To our knowledge, no experimental evidence demonstrating an impact on protein function has been reported. The following publication have been ascertained in the context of this evaluation (PMID: 30622556). No submitters have cited clinical-significance assessments for this variant to ClinVar. Based on the evidence outlined above, the variant was classified as uncertain significance.

Clinical Genetics Laboratory, Skane University Hospital Lund
Classification: Uncertain significance. Last evaluated: 2022-11-23. Review status: criteria provided, single submitter. Criteria: ACMG Guidelines, 2015. Collection method: clinical testing. Allele origin: germline. Affected: yes.

Literature cited by the submitters: PubMed 30622556 (cited by Labcorp Genetics (formerly Invitae), Labcorp and Women's Health and Genetics/Laboratory Corporation of America, LabCorp).